The following is an entry in ClinVar:

NM_021828.5(HPSE2):c.290+7C>T

Gene: HPSE2 (heparanase 2 (inactive); minus strand). Cytogenetic location: 10q24.2.
Variant type: single nucleotide variant.
Coding change: c.290+7C>T on transcript NM_021828.5 (MANE Select); 7 bases into the intron after coding-DNA position 290, C replaced by T.
Molecular consequence: intron variant.
Genome position (GRCh38, 1-based): chr10:99,235,506, G>A on the plus strand (C>T on the coding strand, the complement: HPSE2 is on the minus strand). VCF-style: chr10-99235506-G-A. GRCh37 (hg19) VCF-style: chr10-100995263-G-A.
Other names: p.?; c.290+7C>T (NM_001166245.1, NM_001166244.1, NM_001166246.1).
Identifiers: ClinVar variation 784210 (VCV000784210.16), dbSNP rs72840396, ClinGen allele CA5640037.

ClinVar aggregate classification (germline): Benign/Likely benign. Review status: criteria provided, multiple submitters, no conflicts (2 of 4 stars). 5 submissions from 5 submitters: Benign (2); Likely benign (2). 1 of the submissions does not count toward it. Last evaluated 2026-01-24.

Conditions:
Urofacial syndrome type 1. Also called: HPSE2-Related Urofacial Syndrome. Identifiers: Orphanet 2704, MedGen CN033872, MONDO:0009368, OMIM 236730.
HPSE2-related disorder. Also called: HPSE2-related condition.

Allele frequency attached by ClinVar (database versions not stated): TOPMed 0.00154; ExAC 0.00162; ESP Exome Variant Server 0.00169; gnomAD 0.00169; gnomAD exomes 0.00182; 1000 Genomes Project 0.00220; 1000 Genomes Project 30x 0.00234.
gnomAD v4.1: 2,877 of 1,613,960 alleles (0.18%); highest among the groups gnomAD compares: Admixed American, 0.43%; 4 homozygotes.

Submissions (7):

Labcorp Genetics (formerly Invitae), Labcorp
Classification: Benign. Last evaluated: 2026-01-24. Review status: criteria provided, single submitter. Criteria: Invitae Variant Classification Sherloc (09022015). Collection method: clinical testing. Allele origin: germline.

Mayo Clinic Laboratories, Mayo Clinic
Classification: Likely benign. Last evaluated: 2025-08-13. Review status: criteria provided, single submitter. Criteria: ACMG Guidelines, 2015. Collection method: clinical testing. Allele origin: germline. Observed: 1 variant allele.
Comment: BS1, BP4, BP7

Fulgent Genetics
Classification: Likely benign for Urofacial syndrome type 1. Last evaluated: 2021-09-06. Review status: criteria provided, single submitter. Criteria: ACMG Guidelines, 2015. Collection method: clinical testing. Allele origin: unknown.

Breakthrough Genomics
Classification: Benign. Review status: criteria provided, single submitter. Criteria: ACMG Guidelines, 2015. Collection method: not provided. Allele origin: germline. Inheritance: Autosomal recessive inheritance. Affected: yes.

PreventionGenetics, part of Exact Sciences
Classification: Likely benign for HPSE2-related condition. Last evaluated: 2020-07-08. Review status: no assertion criteria provided. Collection method: clinical testing. Allele origin: germline. Not counted in ClinVar's aggregate classification.
Comment: This variant is classified as likely benign based on ACMG/AMP sequence variant interpretation guidelines (Richards et al. 2015 PMID: 25741868, with internal and published modifications).

Dr. Peter K. Rogan Lab, Western University
No classification provided (evidence only). Condition: Cervical cancer. Review status: no classification provided. Collection method: in vitro. Allele origin: not applicable. Functional consequence: retained intron. Not counted in ClinVar's aggregate classification.

Dr. Peter K. Rogan Lab, Western University
No classification provided (evidence only). Condition: Gastric cancer. Review status: no classification provided. Collection method: in vitro. Allele origin: not applicable. Functional consequence: retained intron. Not counted in ClinVar's aggregate classification.